The following is an entry in ClinVar:

ClinVar aggregate classification (germline): Benign. Review status: criteria provided, single submitter (1 of 4 stars). 2 submissions from 2 submitters: Benign (1). 1 of the submissions does not count toward it. Last evaluated 2023-11-08.

Conditions:
CACNA1B-related disorder. Also called: CACNA1B-related condition.

Allele frequency attached by ClinVar (database versions not stated): 1000 Genomes Project 0.00040; 1000 Genomes Project 30x 0.00062.
gnomAD v4.1: 38 of 1,610,756 alleles (0.0024%); highest among the groups gnomAD compares: East Asian, 0.076%; no homozygotes.

Submissions (2):

Labcorp Genetics (formerly Invitae), Labcorp
Classification: Benign. Last evaluated: 2023-11-08. Review status: criteria provided, single submitter. Criteria: Invitae Variant Classification Sherloc (09022015). Collection method: clinical testing. Allele origin: germline.

PreventionGenetics, part of Exact Sciences
Classification: Likely benign for CACNA1B-related condition. Last evaluated: 2024-08-14. Review status: no assertion criteria provided. Collection method: clinical testing. Allele origin: germline. Not counted in ClinVar's aggregate classification.
Comment: This variant is classified as likely benign based on ACMG/AMP sequence variant interpretation guidelines (Richards et al. 2015 PMID: 25741868, with internal and published modifications).

NM_000718.4(CACNA1B):c.3531G>T (p.Ser1177=)

Gene: CACNA1B (calcium voltage-gated channel subunit alpha1 B; plus strand). Cytogenetic location: 9q34.3.
Variant type: single nucleotide variant.
Coding change: c.3531G>T on transcript NM_000718.4 (MANE Select); coding-DNA position 3531, G replaced by T.
Protein change: p.Ser1177=; no amino-acid change (serine 1177 retained).
Molecular consequence: synonymous variant.
Genome position (GRCh38, 1-based): chr9:138,047,021, G>T. VCF-style: chr9-138047021-G-T. GRCh37 (hg19) VCF-style: chr9-140941473-G-T.
Other names: c.3531G>T (NM_000718.3); c.3531G>T, p.Ser1177= (NM_001243812.2).
Identifiers: ClinVar variation 3015296 (VCV003015296.4), dbSNP rs574443980, ClinGen allele CA5376707.